The following is an entry in ClinVar:

ClinVar aggregate classification (germline): Uncertain significance (1 of 4 stars; one submission).

Conditions:
Nephronophthisis 15 (NPHP15). Identifiers: Orphanet 3156, MedGen C3541853, MONDO:0013917, OMIM 614845.

gnomAD v4.1: 7 of 1,614,082 alleles (0.00043%); highest among the groups gnomAD compares: Admixed American, 0.0017%; no homozygotes.

Submission:

Labcorp Genetics (formerly Invitae), Labcorp
Classification: Uncertain significance for Nephronophthisis 15. Last evaluated: 2021-03-12. Review status: criteria provided, single submitter. Criteria: Invitae Variant Classification Sherloc (09022015). Collection method: clinical testing. Allele origin: germline.
Comment: This sequence change replaces arginine with histidine at codon 1242 of the CEP164 protein (p.Arg1242His). The arginine residue is weakly conserved and there is a small physicochemical difference between arginine and histidine. This variant is not present in population databases (ExAC no frequency). This variant has not been reported in the literature in individuals with CEP164-related conditions. Algorithms developed to predict the effect of missense changes on protein structure and function (SIFT, PolyPhen-2, Align-GVGD) all suggest that this variant is likely to be tolerated, but these predictions have not been confirmed by published functional studies and their clinical significance is uncertain. In summary, the available evidence is currently insufficient to determine the role of this variant in disease. Therefore, it has been classified as a Variant of Uncertain Significance.

NM_014956.5(CEP164):c.3725G>A (p.Arg1242His)

Gene: CEP164 (centrosomal protein 164; plus strand). Cytogenetic location: 11q23.3.
Variant type: single nucleotide variant.
Coding change: c.3725G>A on transcript NM_014956.5 (MANE Select); coding-DNA position 3725, G replaced by A.
Protein change: p.Arg1242His; replaces arginine 1242 with histidine.
Molecular consequence: missense variant. On other transcripts: splice donor variant (1).
Genome position (GRCh38, 1-based): chr11:117,409,005, G>A. VCF-style: chr11-117409005-G-A. GRCh37 (hg19) VCF-style: chr11-117279721-G-A.
Other names: c.3733+1G>A (NM_001271933.2); short protein forms R1242H.
Identifiers: ClinVar variation 1393458 (VCV001393458.8), dbSNP rs775665636, ClinGen allele CA382742649.
Genomic context (GRCh38, chr11:117,409,005, plus strand): 5'-ACCTCAGTGACATGGACAGCCTGAGCAGTGAAAGTTCTGAATCTTTTTCCCCGCCTCACC[G>A]TGAGTGGTGGCGGCAGCAGAGGAGTGAGTGGGGGAGATGCGGGGTGAGGACCATGGTATC-3'
Protein context (NP_055771.4, residues 1232-1252): ESSESFSPPH[Arg1242His]EWWRQQRIDS